The following is an entry in ClinVar:

ClinVar aggregate classification (germline): Uncertain significance (1 of 4 stars; one submission).

Conditions:
Norman-Roberts syndrome (LIS2). Also called: Lissencephaly 2 (Norman-Roberts type). Identifiers: Orphanet 89844, MedGen C0796089, MONDO:0009760, OMIM 257320.
Familial temporal lobe epilepsy 7. Identifiers: Orphanet 101046, MedGen C4225327, MONDO:0014639, OMIM 616436.

Allele frequency attached by ClinVar (database versions not stated): gnomAD exomes below 0.00001.
gnomAD v4.1: 1 of 1,614,012 alleles (0.000062%); highest among the groups gnomAD compares: African/African-American, 0.0013%; no homozygotes.

Submission:

Labcorp Genetics (formerly Invitae), Labcorp
Classification: Uncertain significance for Familial temporal lobe epilepsy 7; Norman-Roberts syndrome. Last evaluated: 2022-12-06. Review status: criteria provided, single submitter. Criteria: Invitae Variant Classification Sherloc (09022015). Collection method: clinical testing. Allele origin: germline.
Comment: In summary, the available evidence is currently insufficient to determine the role of this variant in disease. Therefore, it has been classified as a Variant of Uncertain Significance. Advanced modeling of protein sequence and biophysical properties (such as structural, functional, and spatial information, amino acid conservation, physicochemical variation, residue mobility, and thermodynamic stability) has been performed at Invitae for this missense variant, however the output from this modeling did not meet the statistical confidence thresholds required to predict the impact of this variant on RELN protein function. ClinVar contains an entry for this variant (Variation ID: 949437). This variant has not been reported in the literature in individuals affected with RELN-related conditions. This variant is not present in population databases (gnomAD no frequency). This sequence change replaces glycine, which is neutral and non-polar, with arginine, which is basic and polar, at codon 2048 of the RELN protein (p.Gly2048Arg).

NM_005045.4(RELN):c.6142G>A (p.Gly2048Arg)

Gene: RELN (reelin; minus strand). Cytogenetic location: 7q22.1.
Variant type: single nucleotide variant.
Coding change: c.6142G>A on transcript NM_005045.4 (MANE Select); coding-DNA position 6142, G replaced by A.
Protein change: p.Gly2048Arg; replaces glycine 2048 with arginine.
Molecular consequence: missense variant.
Genome position (GRCh38, 1-based): chr7:103,551,227, C>T on the plus strand (G>A on the coding strand, the complement: RELN is on the minus strand). VCF-style: chr7-103551227-C-T. GRCh37 (hg19) VCF-style: chr7-103191674-C-T.
Other names: c.6142G>A, p.Gly2048Arg (NM_173054.3); short protein forms G2048R.
Identifiers: ClinVar variation 949437 (VCV000949437.9), dbSNP rs1359142697, ClinGen allele CA368738452.